The following is an entry in ClinVar:

ClinVar aggregate classification (germline): Uncertain significance (1 of 4 stars; one submission).

Submission:

GeneDx
Classification: Uncertain significance. Last evaluated: 2026-03-20. Review status: criteria provided, single submitter. Criteria: GeneDx Variant Classification Process June 2021. Collection method: clinical testing. Allele origin: germline.
Comment: Not observed at significant frequency in large population cohorts (gnomAD); In silico analysis suggests that this missense variant does not alter protein structure/function; Has not been previously published as pathogenic or benign to our knowledge

NM_006245.4(PPP2R5D):c.1643A>G (p.Lys548Arg)

Gene: PPP2R5D (protein phosphatase 2 regulatory subunit B'delta; plus strand). Cytogenetic location: 6p21.1.
Variant type: single nucleotide variant.
Coding change: c.1643A>G on transcript NM_006245.4 (MANE Select); coding-DNA position 1643, A replaced by G.
Protein change: p.Lys548Arg; replaces lysine 548 with arginine.
Molecular consequence: missense variant.
Genome position (GRCh38, 1-based): chr6:43,010,969, A>G. VCF-style: chr6-43010969-A-G. GRCh37 (hg19) VCF-style: chr6-42978707-A-G.
Other names: c.1190A>G, p.Lys397Arg (NM_001270476.2); c.1547A>G, p.Lys516Arg (NM_180976.3); c.1325A>G, p.Lys442Arg (NM_180977.3); short protein forms K516R, K397R, K442R, K548R.
Identifiers: ClinVar variation 5009544 (VCV005009544.1).